The following is an entry in ClinVar:

NM_001035.3(RYR2):c.4427T>A (p.Val1476Glu)

Gene: RYR2 (ryanodine receptor 2; plus strand). Cytogenetic location: 1q43.
Variant type: single nucleotide variant.
Coding change: c.4427T>A on transcript NM_001035.3 (MANE Select); coding-DNA position 4427, T replaced by A.
Protein change: p.Val1476Glu; replaces valine 1476 with glutamic acid.
Molecular consequence: missense variant.
Genome position (GRCh38, 1-based): chr1:237,593,627, T>A. VCF-style: chr1-237593627-T-A. GRCh37 (hg19) VCF-style: chr1-237756927-T-A.
Other names: short protein forms V1476E.
Identifiers: ClinVar variation 4680881 (VCV004680881.1).

ClinVar aggregate classification (germline): Uncertain significance (1 of 4 stars; one submission).

gnomAD v4.1: 1 of 1,613,776 alleles (0.000062%); no homozygotes.

Submission:

GeneDx
Classification: Uncertain significance. Last evaluated: 2025-07-02. Review status: criteria provided, single submitter. Criteria: GeneDx Variant Classification Process June 2021. Collection method: clinical testing. Allele origin: germline. Affected: yes.
Comment: Not observed at significant frequency in large population cohorts (gnomAD); In silico analysis supports that this missense variant has a deleterious effect on protein structure/function; Has not been previously published as pathogenic or benign to our knowledge; Not located in one of the three hot-spot regions of the RYR2 gene, where the majority of pathogenic missense variants occur (PMID: 19926015); This variant is associated with the following publications: (PMID: 19926015)